The following is an entry in ClinVar:

ClinVar aggregate classification (germline): Pathogenic. Review status: criteria provided, multiple submitters, no conflicts (2 of 4 stars). 5 submissions from 5 submitters: Pathogenic (5). Last evaluated 2025-05-13.

Conditions:
Familial multiple polyposis syndrome (FAP). Also called: Familial adenomatous polyposis; Familial intestinal polyposis; Familial polyposis; Familial Adenomatous Polyposis (FAP); Classic familial adenomatous polyposis. Identifiers: Orphanet 733, MedGen C0032580, MONDO:0021055. Disease mechanism: loss of function.
Familial adenomatous polyposis 1 (FAP1). Also called: POLYPOSIS, ADENOMATOUS INTESTINAL; FAMILIAL ADENOMATOUS POLYPOSIS 1, ATTENUATED. Identifiers: MedGen C2713442, MONDO:0021056, OMIM 175100. Disease mechanism: loss of function.

Submissions (5):

Women's Health and Genetics/Laboratory Corporation of America, LabCorp
Classification: Pathogenic for Familial multiple polyposis syndrome. Last evaluated: 2025-05-13. Review status: criteria provided, single submitter. Criteria: LabCorp Variant Classification Summary - May 2015. Collection method: clinical testing. Allele origin: germline.
Comment: Variant summary: APC c.1270C>T (p.Gln424X) results in a premature termination codon, predicted to cause a truncation of the encoded protein or absence of the protein due to nonsense mediated decay, which are commonly known mechanisms for disease. The variant was absent in 250672 control chromosomes. c.1270C>T has been observed in individual(s) affected with Familial Adenomatous Polyposis (example: Olschwang_1993). The following publication has been ascertained in the context of this evaluation (PMID: 8381580). ClinVar contains an entry for this variant (Variation ID: 575787). Based on the evidence outlined above, the variant was classified as pathogenic.

Myriad Genetics, Inc.
Classification: Pathogenic for Familial adenomatous polyposis 1. Last evaluated: 2023-05-01. Review status: criteria provided, single submitter. Criteria: Myriad Autosomal Dominant, Autosomal Recessive and X-Linked Classification Criteria (2023). Collection method: clinical testing. Allele origin: unknown.
Comment: This variant is considered pathogenic. This variant creates a termination codon and is predicted to result in premature protein truncation.

GeneDx
Classification: Pathogenic. Last evaluated: 2022-07-20. Review status: criteria provided, single submitter. Criteria: GeneDx Variant Classification Process June 2021. Collection method: clinical testing. Allele origin: germline. Affected: yes.
Comment: Nonsense variant predicted to result in protein truncation or nonsense mediated decay in a gene for which loss of function is a known mechanism of disease; Not observed at significant frequency in large population cohorts (gnomAD); This variant is associated with the following publications: (PMID: 8381580, 25525159, 15024739, 20685668, 11933206)

Labcorp Genetics (formerly Invitae), Labcorp
Classification: Pathogenic for Familial adenomatous polyposis 1. Last evaluated: 2022-05-07. Review status: criteria provided, single submitter. Criteria: Invitae Variant Classification Sherloc (09022015). Collection method: clinical testing. Allele origin: germline.
Comment: This premature translational stop signal has been observed in individual(s) with familial adenomatous polyposis (PMID: 8381580, 11933206, 20685668). ClinVar contains an entry for this variant (Variation ID: 575787). Algorithms developed to predict the effect of sequence changes on RNA splicing suggest that this variant may create or strengthen a splice site. For these reasons, this variant has been classified as Pathogenic. This sequence change creates a premature translational stop signal (p.Gln424*) in the APC gene. It is expected to result in an absent or disrupted protein product. Loss-of-function variants in APC are known to be pathogenic (PMID: 17963004, 20685668). This variant is not present in population databases (gnomAD no frequency).

Quest Diagnostics Nichols Institute San Juan Capistrano
Classification: Pathogenic. Last evaluated: 2018-09-04. Review status: criteria provided, single submitter. Criteria: Quest Diagnostics criteria. Collection method: clinical testing. Allele origin: germline.
Comment: The variant creates a premature nonsense codon, and is therefore predicted to significantly disrupt the protein structure. Found in at least one symptomatic patient, and not found in general population data.

Literature cited by the submitters: PubMed 8381580 (cited by 3 submitters); PubMed 11933206 (cited by Labcorp Genetics (formerly Invitae), Labcorp and Quest Diagnostics Nichols Institute San Juan Capistrano); PubMed 20685668 (cited by Labcorp Genetics (formerly Invitae), Labcorp and Quest Diagnostics Nichols Institute San Juan Capistrano); PubMed 17963004 (cited by Labcorp Genetics (formerly Invitae), Labcorp); PubMed 15024739 (cited by Quest Diagnostics Nichols Institute San Juan Capistrano).

NM_000038.6(APC):c.1270C>T (p.Gln424Ter)

Gene: APC (APC regulator of Wnt signaling pathway; plus strand). Cytogenetic location: 5q22.2.
Variant type: single nucleotide variant.
Coding change: c.1270C>T on transcript NM_000038.6 (MANE Select); coding-DNA position 1270, C replaced by T.
Protein change: p.Gln424Ter; replaces glutamine 424 with a stop codon.
Molecular consequence: nonsense.
Genome position (GRCh38, 1-based): chr5:112,819,302, C>T. VCF-style: chr5-112819302-C-T. GRCh37 (hg19) VCF-style: chr5-112154999-C-T.
Other names: c.1270C>T, p.Gln424Ter (NM_001127510.3, NM_001354895.2, NM_001354896.2); c.1216C>T, p.Gln406Ter (NM_001127511.3); c.1300C>T, p.Gln434Ter (NM_001354897.2); c.1195C>T, p.Gln399Ter (NM_001354898.2); c.1186C>T, p.Gln396Ter (NM_001354899.2); c.1093C>T, p.Gln365Ter (NM_001354900.2, NM_001354901.2); c.997C>T, p.Gln333Ter (NM_001354902.2); c.967C>T, p.Gln323Ter (NM_001354903.2); and 3 more; short protein forms Q406*, Q424*, Q333*, Q396*, Q365*, Q298*, Q323*, Q141*.
Identifiers: ClinVar variation 575787 (VCV000575787.19), dbSNP rs1561542165, ClinGen allele CA16024087.